The following is an entry in ClinVar:

NM_133497.4(KCNV2):c.652C>G (p.His218Asp)

Gene: KCNV2 (potassium voltage-gated channel modifier subfamily V member 2; plus strand). Cytogenetic location: 9p24.2.
Variant type: single nucleotide variant.
Coding change: c.652C>G on transcript NM_133497.4 (MANE Select); coding-DNA position 652, C replaced by G.
Protein change: p.His218Asp; replaces histidine 218 with aspartic acid.
Molecular consequence: missense variant.
Genome position (GRCh38, 1-based): chr9:2,718,391, C>G. VCF-style: chr9-2718391-C-G. GRCh37 (hg19) VCF-style: chr9-2718391-C-G.
Other names: short protein forms H218D.
Identifiers: ClinVar variation 1424647 (VCV001424647.5), dbSNP rs755998410, ClinGen allele CA187972469.

ClinVar aggregate classification (germline): Uncertain significance (1 of 4 stars; one submission).

gnomAD v4.1: 12 of 1,601,142 alleles (0.00075%); highest among the groups gnomAD compares: Admixed American, 0.0052%; no homozygotes.

Submission:

Labcorp Genetics (formerly Invitae), Labcorp
Classification: Uncertain significance. Last evaluated: 2021-11-30. Review status: criteria provided, single submitter. Criteria: Invitae Variant Classification Sherloc (09022015). Collection method: clinical testing. Allele origin: germline.
Comment: In summary, the available evidence is currently insufficient to determine the role of this variant in disease. Therefore, it has been classified as a Variant of Uncertain Significance. Advanced modeling of protein sequence and biophysical properties (such as structural, functional, and spatial information, amino acid conservation, physicochemical variation, residue mobility, and thermodynamic stability) performed at Invitae indicates that this missense variant is not expected to disrupt KCNV2 protein function. This variant has not been reported in the literature in individuals affected with KCNV2-related conditions. This variant is present in population databases (no rsID available, gnomAD 0.006%). This sequence change replaces histidine, which is basic and polar, with aspartic acid, which is acidic and polar, at codon 218 of the KCNV2 protein (p.His218Asp).